The following is an entry in ClinVar:

ClinVar aggregate classification (germline): Conflicting classifications of pathogenicity. Review status: criteria provided, conflicting classifications (1 of 4 stars). 3 submissions from 3 submitters: Uncertain significance (1); Benign (1); Likely benign (1). Last evaluated 2025-12-08.

Conditions:
Inborn genetic diseases. Identifiers: MedGen C0950123, MeSH D030342.

Allele frequency attached by ClinVar (database versions not stated): gnomAD 0.00013 and 0.00014; TOPMed 0.00017; ExAC 0.00030; gnomAD exomes 0.00034; ESP Exome Variant Server 0.00038.
gnomAD v4.1: 287 of 1,612,262 alleles (0.018%); highest among the groups gnomAD compares: Middle Eastern, 0.017%; 1 homozygote.

Submissions (3):

Ambry Genetics
Classification: Uncertain significance for Inborn genetic diseases. Last evaluated: 2025-12-08. Review status: criteria provided, single submitter. Criteria: Ambry Variant Classification Scheme 2023. Collection method: clinical testing. Allele origin: germline.
Comment: The p.I164T variant (also known as c.491T>C), located in coding exon 4 of the CASQ1 gene, results from a T to C substitution at nucleotide position 491. The isoleucine at codon 164 is replaced by threonine, an amino acid with similar properties. This amino acid position is conserved. In addition, this alteration is predicted to be deleterious by in silico analysis. Since supporting evidence is limited at this time, the clinical significance of this alteration remains unclear.

Labcorp Genetics (formerly Invitae), Labcorp
Classification: Benign. Last evaluated: 2025-08-06. Review status: criteria provided, single submitter. Criteria: Invitae Variant Classification Sherloc (09022015). Collection method: clinical testing. Allele origin: germline.

CeGaT Center for Human Genetics Tuebingen
Classification: Likely benign. Last evaluated: 2024-04-01. Review status: criteria provided, single submitter. Criteria: CeGaT Center For Human Genetics Tuebingen Variant Classification Criteria Version 2. Collection method: clinical testing. Allele origin: germline. Affected: yes. Observed: 1 variant allele.
Comment: CASQ1: BS1

NM_001231.5(CASQ1):c.491T>C (p.Ile164Thr)

Gene: CASQ1 (calsequestrin 1; plus strand). Cytogenetic location: 1q23.2.
Variant type: single nucleotide variant.
Coding change: c.491T>C on transcript NM_001231.5 (MANE Select); coding-DNA position 491, T replaced by C.
Protein change: p.Ile164Thr; replaces isoleucine 164 with threonine.
Molecular consequence: missense variant.
Genome position (GRCh38, 1-based): chr1:160,195,037, T>C. VCF-style: chr1-160195037-T-C. GRCh37 (hg19) VCF-style: chr1-160164827-T-C.
Other names: c.491T>C (NM_001231.4); short protein forms I164T.
Identifiers: ClinVar variation 1626639 (VCV001626639.30), dbSNP rs34415446, ClinGen allele CA1196216.